The following is an entry in ClinVar:

ClinVar aggregate classification (germline): Benign. Review status: criteria provided, multiple submitters, no conflicts (2 of 4 stars). 2 submissions from 2 submitters: Benign (2). Last evaluated 2018-06-19.

Allele frequency attached by ClinVar (database versions not stated): gnomAD 0.47616; TOPMed 0.48955; 1000 Genomes Project 30x 0.50375; 1000 Genomes Project 0.51318.
gnomAD v4.1: 694,491 of 1,174,606 alleles (59%); highest among the groups gnomAD compares: Middle Eastern, 71%; 212,589 homozygotes.

Submissions (2):

GeneDx
Classification: Benign. Last evaluated: 2018-06-19. Review status: criteria provided, single submitter. Criteria: GeneDx Variant Classification (06012015). Collection method: clinical testing. Allele origin: germline. Affected: yes.
Comment: This variant is considered likely benign or benign based on one or more of the following criteria: it is a conservative change, it occurs at a poorly conserved position in the protein, it is predicted to be benign by multiple in silico algorithms, and/or has population frequency not consistent with disease.

Breakthrough Genomics
Classification: Benign. Review status: criteria provided, single submitter. Criteria: ACMG Guidelines, 2015. Collection method: not provided. Allele origin: germline. Inheritance: Autosomal recessive inheritance. Affected: yes.

NM_022369.4(STRA6):c.1166+105C>T

Genes: STRA6 (signaling receptor and transporter of retinol STRA6; minus strand), LOC126862177 (CDK7 strongly-dependent group 2 enhancer GRCh37_chr15:74476518-74477717; plus strand). Cytogenetic location: 15q24.1.
Variant type: single nucleotide variant.
Coding change: c.1166+105C>T on transcript NM_022369.4 (MANE Select); 105 bases into the intron after coding-DNA position 1166, C replaced by T.
Molecular consequence: intron variant.
Genome position (GRCh38, 1-based): chr15:74,184,875, G>A on the plus strand (C>T on the coding strand, the complement: STRA6 is on the minus strand). VCF-style: chr15-74184875-G-A. GRCh37 (hg19) VCF-style: chr15-74477216-G-A.
Other names: c.1277+105C>T (NM_001199040.2); c.1139+105C>T (NM_001142619.2); c.1166+105C>T (NM_001142617.2, NM_001142618.2); c.1211+105C>T (NM_001199041.2); c.1283+105C>T (NM_001199042.2).
Identifiers: ClinVar variation 674954 (VCV000674954.2), dbSNP rs351238, ClinGen allele CA14121374.